The following is an entry in ClinVar:

ClinVar aggregate classification (germline): Uncertain significance. Review status: criteria provided, multiple submitters, no conflicts (2 of 4 stars). 4 submissions from 4 submitters: Uncertain significance (4). Last evaluated 2026-01-10.

Conditions:
Mitochondrial complex II deficiency, nuclear type 1. Also called: SUCCINATE CoQ REDUCTASE DEFICIENCY. Identifiers: Orphanet 3208, MedGen C5700310, MONDO:0100294, OMIM 252011.
Pheochromocytoma/paraganglioma syndrome 5. Also called: Paragangliomas 5; SDHA-Related Hereditary Paraganglioma-Pheochromocytoma Syndrome. Identifiers: Orphanet 29072, MedGen C3279992, MONDO:0013602, OMIM 614165.
Dilated cardiomyopathy 1GG (CMD1GG). Identifiers: Orphanet 154, MedGen C3150898, MONDO:0013339, OMIM 613642.
Hereditary cancer-predisposing syndrome. Also called: Neoplastic Syndromes, Hereditary; Tumor predisposition; Hereditary neoplastic syndrome; Hereditary Cancer Syndrome. Identifiers: Orphanet 140162, MedGen C0027672, MeSH D009386, MONDO:0015356.

Allele frequency attached by ClinVar (database versions not stated): TOPMed 0.00001.
gnomAD v4.1: 1 of 1,613,730 alleles (0.000062%); no homozygotes.

Submissions (4):

Labcorp Genetics (formerly Invitae), Labcorp
Classification: Uncertain significance for Pheochromocytoma/paraganglioma syndrome 5; Mitochondrial complex II deficiency, nuclear type 1. Last evaluated: 2026-01-10. Review status: criteria provided, single submitter. Criteria: Invitae Variant Classification Sherloc (09022015). Collection method: clinical testing. Allele origin: germline.
Comment: This sequence change replaces glutamic acid, which is acidic and polar, with glutamine, which is neutral and polar, at codon 230 of the SDHA protein (p.Glu230Gln). This variant is not present in population databases (gnomAD no frequency). This variant has not been reported in the literature in individuals affected with SDHA-related conditions. ClinVar contains an entry for this variant (Variation ID: 539679). Invitae Evidence Modeling of protein sequence and biophysical properties (such as structural, functional, and spatial information, amino acid conservation, physicochemical variation, residue mobility, and thermodynamic stability) indicates that this missense variant is not expected to disrupt SDHA protein function with a negative predictive value of 95%. In summary, the available evidence is currently insufficient to determine the role of this variant in disease. Therefore, it has been classified as a Variant of Uncertain Significance.

GeneDx
Classification: Uncertain significance. Last evaluated: 2024-05-14. Review status: criteria provided, single submitter. Criteria: GeneDx Variant Classification Process June 2021. Collection method: clinical testing. Allele origin: germline. Affected: yes.
Comment: Not observed at significant frequency in large population cohorts (gnomAD); In silico analysis indicates that this missense variant does not alter protein structure/function; Has not been previously published as pathogenic or benign to our knowledge

Ambry Genetics
Classification: Uncertain significance for Hereditary cancer-predisposing syndrome. Last evaluated: 2023-12-12. Review status: criteria provided, single submitter. Criteria: Ambry Variant Classification Scheme 2023. Collection method: clinical testing. Allele origin: germline.
Comment: The p.E230Q variant (also known as c.688G>C), located in coding exon 6 of the SDHA gene, results from a G to C substitution at nucleotide position 688. The glutamic acid at codon 230 is replaced by glutamine, an amino acid with highly similar properties. This amino acid position is highly conserved in available vertebrate species. In addition, this alteration is predicted to be tolerated by in silico analysis. Since supporting evidence is limited at this time, the clinical significance of this alteration remains unclear.

Baylor Genetics
Classification: Uncertain significance for Dilated cardiomyopathy 1GG. Last evaluated: 2023-05-14. Review status: criteria provided, single submitter. Criteria: ACMG Guidelines, 2015. Collection method: clinical testing. Allele origin: unknown.

NM_004168.4(SDHA):c.688G>C (p.Glu230Gln)

Gene: SDHA (succinate dehydrogenase complex flavoprotein subunit A; plus strand). Cytogenetic location: 5p15.33.
Variant type: single nucleotide variant.
Coding change: c.688G>C on transcript NM_004168.4 (MANE Select); coding-DNA position 688, G replaced by C.
Protein change: p.Glu230Gln; replaces glutamic acid 230 with glutamine.
Molecular consequence: missense variant.
Genome position (GRCh38, 1-based): chr5:228,251, G>C. VCF-style: chr5-228251-G-C. GRCh37 (hg19) VCF-style: chr5-228366-G-C.
Other names: c.544G>C, p.Glu182Gln (NM_001294332.2); c.688G>C, p.Glu230Gln (NM_001330758.2); short protein forms E230Q, E182Q.
Identifiers: ClinVar variation 539679 (VCV000539679.14), dbSNP rs1436777353, ClinGen allele CA359010941.
Genomic context (GRCh38, chr5:228,251, plus strand): 5'-CGATATGATACCAGCTATTTTGTGGAGTATTTTGCCTTGGATCTCCTGATGGAGAATGGG[G>C]AGTGCCGTGGTGTCATCGCACTGTGCATAGAGGACGGGTCCATCCATCGCATAAGAGCAA-3'
Protein context (NP_004159.2, residues 220-240): FALDLLMENG[Glu230Gln]CRGVIALCIE